The following is an entry in ClinVar:

NM_206926.2(SELENON):c.877C>T (p.Arg293Cys)

Gene: SELENON (selenoprotein N; plus strand). Cytogenetic location: 1p36.11.
Variant type: single nucleotide variant.
Coding change: c.877C>T on transcript NM_206926.2 (MANE Select); coding-DNA position 877, C replaced by T.
Protein change: p.Arg293Cys; replaces arginine 293 with cysteine.
Molecular consequence: missense variant.
Genome position (GRCh38, 1-based): chr1:25,809,789, C>T. VCF-style: chr1-25809789-C-T. GRCh37 (hg19) VCF-style: chr1-26136280-C-T.
Other names: c.979C>T, p.Arg327Cys (NM_020451.3); short protein forms R327C, R293C.
Identifiers: ClinVar variation 461636 (VCV000461636.6), dbSNP rs753400008, ClinGen allele CA696700.

ClinVar aggregate classification (germline): Uncertain significance (1 of 4 stars; one submission).

Conditions:
Eichsfeld type congenital muscular dystrophy (CMYO3). Also called: MYOPATHY, SEPN1-RELATED; SELENON-related myopathy; Congenital myopathy 3 with rigid spine; Rigid spine muscular dystrophy 1. Identifiers: MedGen C0410180, MONDO:0100100, OMIM 602771.

Allele frequency attached by ClinVar (database versions not stated): ExAC 0.00001; gnomAD exomes 0.00001; TOPMed 0.00001.
gnomAD v4.1: 8 of 1,613,996 alleles (0.0005%); highest among the groups gnomAD compares: Admixed American, 0.0033%; no homozygotes.

Submission:

Labcorp Genetics (formerly Invitae), Labcorp
Classification: Uncertain significance for Eichsfeld type congenital muscular dystrophy. Last evaluated: 2025-01-19. Review status: criteria provided, single submitter. Criteria: Invitae Variant Classification Sherloc (09022015). Collection method: clinical testing. Allele origin: germline.
Comment: This sequence change replaces arginine, which is basic and polar, with cysteine, which is neutral and slightly polar, at codon 327 of the SELENON protein (p.Arg327Cys). This variant is present in population databases (rs753400008, gnomAD 0.006%). This variant has not been reported in the literature in individuals affected with SELENON-related conditions. ClinVar contains an entry for this variant (Variation ID: 461636). An algorithm developed to predict the effect of missense changes on protein structure and function (PolyPhen-2) suggests that this variant is likely to be disruptive. In summary, the available evidence is currently insufficient to determine the role of this variant in disease. Therefore, it has been classified as a Variant of Uncertain Significance.